The following is an entry in ClinVar:

NM_001289808.2(CRYAB):c.424G>T (p.Val142Phe)

Gene: CRYAB (crystallin alpha B; minus strand). Cytogenetic location: 11q23.1.
Variant type: single nucleotide variant.
Coding change: c.424G>T on transcript NM_001289808.2 (MANE Select); coding-DNA position 424, G replaced by T.
Protein change: p.Val142Phe; replaces valine 142 with phenylalanine.
Molecular consequence: missense variant.
Genome position (GRCh38, 1-based): chr11:111,908,868, C>A on the plus strand (G>T on the coding strand, the complement: CRYAB is on the minus strand). VCF-style: chr11-111908868-C-A. GRCh37 (hg19) VCF-style: chr11-111779592-C-A.
Other names: c.424G>T, p.Val142Phe (NM_001289807.1, NM_001368245.1, NM_001885.3); c.223G>T, p.Val75Phe (NM_001330379.1, NM_001368246.1); short protein forms V142F, V75F.
Identifiers: ClinVar variation 945307 (VCV000945307.9), dbSNP rs1965359147, ClinGen allele CA382596154.

ClinVar aggregate classification (germline): Uncertain significance (1 of 4 stars; one submission).

Conditions:
Dilated cardiomyopathy 1II (CMD1II). Identifiers: Orphanet 154, MedGen C3554649, MONDO:0014073, OMIM 615184.

Submission:

Labcorp Genetics (formerly Invitae), Labcorp
Classification: Uncertain significance for Dilated cardiomyopathy 1II. Last evaluated: 2019-05-05. Review status: criteria provided, single submitter. Criteria: Invitae Variant Classification Sherloc (09022015). Collection method: clinical testing. Allele origin: germline.
Comment: In summary, the available evidence is currently insufficient to determine the role of this variant in disease. Therefore, it has been classified as a Variant of Uncertain Significance. Algorithms developed to predict the effect of missense changes on protein structure and function are either unavailable or do not agree on the potential impact of this missense change (SIFT: "Deleterious"; PolyPhen-2: "Probably Damaging"; Align-GVGD: "Class C0"). This variant has not been reported in the literature in individuals with CRYAB-related conditions. This variant is not present in population databases (ExAC no frequency). This sequence change replaces valine with phenylalanine at codon 142 of the CRYAB protein (p.Val142Phe). The valine residue is highly conserved and there is a small physicochemical difference between valine and phenylalanine.